The following is an entry in ClinVar:

NM_032776.3(JMJD1C):c.161A>C (p.Asp54Ala)

Genes: JMJD1C (jumonji domain containing 1C; minus strand), JMJD1C-AS1 (JMJD1C antisense RNA 1; plus strand). Cytogenetic location: 10q21.3.
Variant type: single nucleotide variant.
Coding change: c.161A>C on transcript NM_032776.3 (MANE Select); coding-DNA position 161, A replaced by C.
Protein change: p.Asp54Ala; replaces aspartic acid 54 with alanine.
Molecular consequence: missense variant. On other transcripts: non-coding transcript variant (1), intron variant (2).
Genome position (GRCh38, 1-based): chr10:63,465,502, T>G on the plus strand (A>C on the coding strand, the complement: JMJD1C is on the minus strand). VCF-style: chr10-63465502-T-G. GRCh37 (hg19) VCF-style: chr10-65225262-T-G.
Other names: c.161A>C, p.Asp54Ala (NM_001322252.2); c.-384+56236A>C (NM_001322258.2); c.-379+56236A>C (NM_001318154.2); short protein forms D54A.
Identifiers: ClinVar variation 1003906 (VCV001003906.10), dbSNP rs765528980, ClinGen allele CA5519195.

ClinVar aggregate classification (germline): Uncertain significance (1 of 4 stars; one submission).

Conditions:
Early Myoclonic Encephalopathy. Identifiers: MedGen C0270855.

Allele frequency attached by ClinVar (database versions not stated): gnomAD exomes 0.00007; gnomAD 0.00007 and 0.00006; TOPMed 0.00005; ExAC 0.00008.

Submission:

Labcorp Genetics (formerly Invitae), Labcorp
Classification: Uncertain significance for Early Myoclonic Encephalopathy. Last evaluated: 2024-10-30. Review status: criteria provided, single submitter. Criteria: Invitae Variant Classification Sherloc (09022015). Collection method: clinical testing. Allele origin: germline.
Comment: This sequence change replaces aspartic acid, which is acidic and polar, with alanine, which is neutral and non-polar, at codon 54 of the JMJD1C protein (p.Asp54Ala). This variant is present in population databases (rs765528980, gnomAD 0.03%). This variant has not been reported in the literature in individuals affected with JMJD1C-related conditions. ClinVar contains an entry for this variant (Variation ID: 1003906). An algorithm developed to predict the effect of missense changes on protein structure and function (PolyPhen-2) suggests that this variant is likely to be tolerated. In summary, the available evidence is currently insufficient to determine the role of this variant in disease. Therefore, it has been classified as a Variant of Uncertain Significance.